The following is an entry in ClinVar:

ClinVar aggregate classification (germline): Uncertain significance (1 of 4 stars; one submission).

Conditions:
Aniridia 1 (AN1). Identifiers: Orphanet 250923, MedGen C0344542, MONDO:0024507, OMIM 106210.
Irido-corneo-trabecular dysgenesis (ASGD5). Also called: ANTERIOR SEGMENT DYSGENESIS 5. Identifiers: Orphanet 708, MedGen C0344559, MONDO:0011414, OMIM 604229, HP:0000659.

Submission:

Labcorp Genetics (formerly Invitae), Labcorp
Classification: Uncertain significance for Aniridia 1; Irido-corneo-trabecular dysgenesis. Last evaluated: 2023-03-18. Review status: criteria provided, single submitter. Criteria: Invitae Variant Classification Sherloc (09022015). Collection method: clinical testing. Allele origin: germline.
Comment: This sequence change falls in intron 11 of the PAX6 gene. It does not directly change the encoded amino acid sequence of the PAX6 protein. It affects a nucleotide within the consensus splice site. In summary, the available evidence is currently insufficient to determine the role of this variant in disease. Therefore, it has been classified as a Variant of Uncertain Significance. Variants that disrupt the consensus splice site are a relatively common cause of aberrant splicing (PMID: 17576681, 9536098). Algorithms developed to predict the effect of sequence changes on RNA splicing suggest that this variant may create or strengthen a splice site. ClinVar contains an entry for this variant (Variation ID: 2000039). This variant has been observed in individual(s) with clinical features of PAX6-related conditions (Invitae). This variant is not present in population databases (gnomAD no frequency).

Literature cited by the submitters: PubMed 17576681; PubMed 9536098.

NM_001368894.2(PAX6):c.1074+4A>G

Gene: PAX6 (paired box 6; minus strand). Cytogenetic location: 11p13.
Variant type: single nucleotide variant.
Coding change: c.1074+4A>G on transcript NM_001368894.2 (MANE Select); 4 bases into the intron after coding-DNA position 1074, A replaced by G.
Molecular consequence: intron variant. On other transcripts: missense variant (1).
Genome position (GRCh38, 1-based): chr11:31,793,434, T>C on the plus strand (A>G on the coding strand, the complement: PAX6 is on the minus strand). VCF-style: chr11-31793434-T-C. GRCh37 (hg19) VCF-style: chr11-31814982-T-C.
Other names: c.1036A>G, p.Ser346Gly (NM_001310159.1); c.1032+4A>G (NM_001127612.3, NM_001368890.2, NM_001368888.2 and 9 more transcripts); c.873+4A>G (NM_001368921.2, NM_001368923.2, NM_001368926.2 and 4 more transcripts); c.1074+4A>G (NM_001258462.3, NM_001310158.2, NM_001258463.2 and 6 more transcripts); c.1149+4A>G (NM_001368919.2, NM_001368918.2); c.1275+4A>G (NM_001368910.2); c.624+4A>G (NM_001368909.2, NM_001368904.2, NM_001368905.2 and 11 more transcripts); c.1077+4A>G (NM_001368911.2); and 3 more; short protein forms S346G.
Identifiers: ClinVar variation 2000039 (VCV002000039.4), dbSNP rs2495047523, ClinGen allele CA2580082897.